The following is an entry in ClinVar:

NM_006231.4(POLE):c.6295A>C (p.Asn2099His)

Gene: POLE (DNA polymerase epsilon, catalytic subunit; minus strand). Cytogenetic location: 12q24.33.
Variant type: single nucleotide variant.
Coding change: c.6295A>C on transcript NM_006231.4 (MANE Select); coding-DNA position 6295, A replaced by C.
Protein change: p.Asn2099His; replaces asparagine 2099 with histidine.
Molecular consequence: missense variant.
Genome position (GRCh38, 1-based): chr12:132,632,350, T>G on the plus strand (A>C on the coding strand, the complement: POLE is on the minus strand). VCF-style: chr12-132632350-T-G. GRCh37 (hg19) VCF-style: chr12-133208936-T-G.
Other names: c.6295A>C (NM_006231.2); short protein forms N2099H.
Identifiers: ClinVar variation 1466179 (VCV001466179.9), dbSNP rs2041949565, ClinGen allele CA387369336.

ClinVar aggregate classification (germline): Uncertain significance. Review status: criteria provided, multiple submitters, no conflicts (2 of 4 stars). 2 submissions from 2 submitters: Uncertain significance (2). Last evaluated 2024-03-28.

Conditions:
Hereditary cancer-predisposing syndrome. Also called: Tumor predisposition; Hereditary Cancer Syndrome; Hereditary neoplastic syndrome; Neoplastic Syndromes, Hereditary. Identifiers: Orphanet 140162, MedGen C0027672, MeSH D009386, MONDO:0015356.

Allele frequency attached by ClinVar (database versions not stated): TOPMed below 0.00001; gnomAD 0.00001.
gnomAD v4.1: 1 of 1,614,034 alleles (0.000062%); highest among the groups gnomAD compares: African/African-American, 0.0013%; no homozygotes.

Submissions (2):

Labcorp Genetics (formerly Invitae), Labcorp
Classification: Uncertain significance. Last evaluated: 2024-03-28. Review status: criteria provided, single submitter. Criteria: Invitae Variant Classification Sherloc (09022015). Collection method: clinical testing. Allele origin: germline.
Comment: This sequence change replaces asparagine, which is neutral and polar, with histidine, which is basic and polar, at codon 2099 of the POLE protein (p.Asn2099His). This variant is not present in population databases (gnomAD no frequency). This variant has not been reported in the literature in individuals affected with POLE-related conditions. ClinVar contains an entry for this variant (Variation ID: 1466179). Advanced modeling of protein sequence and biophysical properties (such as structural, functional, and spatial information, amino acid conservation, physicochemical variation, residue mobility, and thermodynamic stability) performed at Invitae indicates that this missense variant is not expected to disrupt POLE protein function with a negative predictive value of 80%. In summary, the available evidence is currently insufficient to determine the role of this variant in disease. Therefore, it has been classified as a Variant of Uncertain Significance.

Ambry Genetics
Classification: Uncertain significance for Hereditary cancer-predisposing syndrome. Last evaluated: 2024-02-02. Review status: criteria provided, single submitter. Criteria: Ambry Variant Classification Scheme 2023. Collection method: clinical testing. Allele origin: germline.
Comment: The p.N2099H variant (also known as c.6295A>C), located in coding exon 45 of the POLE gene, results from an A to C substitution at nucleotide position 6295. The asparagine at codon 2099 is replaced by histidine, an amino acid with similar properties. This amino acid position is conserved. In addition, this alteration is predicted to be tolerated by in silico analysis. Based on the available evidence, the clinical significance of this alteration remains unclear.